The following is an entry in ClinVar:

ClinVar aggregate classification (germline): Uncertain significance. Review status: criteria provided, multiple submitters, no conflicts (2 of 4 stars). 3 submissions from 3 submitters: Uncertain significance (3). Last evaluated 2024-08-05.

Conditions:
Hypophosphatemic rickets, autosomal recessive, 1 (ARHR1). Also called: HYPOPHOSPHATEMIA, AUTOSOMAL RECESSIVE. Identifiers: Orphanet 289176, MedGen C4551495, MONDO:0009430, OMIM 241520. Disease mechanism: loss of function.

Allele frequency attached by ClinVar (database versions not stated): gnomAD exomes 0.00005 and 0.00008; ExAC 0.00008; ESP Exome Variant Server 0.00008; gnomAD 0.00008 and 0.00010; TOPMed 0.00011; 1000 Genomes Project 0.00020; 1000 Genomes Project 30x 0.00031.
gnomAD v4.1: 105 of 1,614,212 alleles (0.0065%); highest among the groups gnomAD compares: Middle Eastern, 0.13%; no homozygotes.

Submissions (3):

Labcorp Genetics (formerly Invitae), Labcorp
Classification: Uncertain significance. Last evaluated: 2024-08-05. Review status: criteria provided, single submitter. Criteria: Invitae Variant Classification Sherloc (09022015). Collection method: clinical testing. Allele origin: germline.
Comment: This sequence change replaces serine, which is neutral and polar, with asparagine, which is neutral and polar, at codon 225 of the DMP1 protein (p.Ser225Asn). This variant is present in population databases (rs373051924, gnomAD 0.01%). This variant has not been reported in the literature in individuals affected with DMP1-related conditions. ClinVar contains an entry for this variant (Variation ID: 349976). Advanced modeling of protein sequence and biophysical properties (such as structural, functional, and spatial information, amino acid conservation, physicochemical variation, residue mobility, and thermodynamic stability) has been performed at Invitae for this missense variant, however the output from this modeling did not meet the statistical confidence thresholds required to predict the impact of this variant on DMP1 protein function. In summary, the available evidence is currently insufficient to determine the role of this variant in disease. Therefore, it has been classified as a Variant of Uncertain Significance.

Fulgent Genetics
Classification: Uncertain significance for Hypophosphatemic rickets, autosomal recessive, 1. Last evaluated: 2024-05-31. Review status: criteria provided, single submitter. Criteria: ACMG Guidelines, 2015. Collection method: clinical testing. Allele origin: germline.

Illumina Laboratory Services, Illumina
Classification: Uncertain significance for Hypophosphatemic rickets, autosomal recessive, 1. Last evaluated: 2018-01-13. Review status: criteria provided, single submitter. Criteria: ICSL Variant Classification Criteria 13 December 2019. Collection method: clinical testing. Allele origin: germline.

NM_004407.4(DMP1):c.674G>A (p.Ser225Asn)

Genes: DMP1 (dentin matrix acidic phosphoprotein 1; plus strand), DMP1-AS1 (DMP1 and DSPP antisense RNA 1; minus strand). Cytogenetic location: 4q22.1.
Variant type: single nucleotide variant.
Coding change: c.674G>A on transcript NM_004407.4 (MANE Select); coding-DNA position 674, G replaced by A.
Protein change: p.Ser225Asn; replaces serine 225 with asparagine.
Molecular consequence: missense variant.
Genome position (GRCh38, 1-based): chr4:87,662,452, G>A. VCF-style: chr4-87662452-G-A. GRCh37 (hg19) VCF-style: chr4-88583604-G-A.
Other names: c.626G>A, p.Ser209Asn (NM_001079911.3); short protein forms S225N, S209N.
Identifiers: ClinVar variation 349976 (VCV000349976.9), dbSNP rs373051924, ClinGen allele CA3002075.